The following is an entry in ClinVar:

NM_024921.4(POF1B):c.*368G>T

Gene: POF1B (POF1B actin binding protein; minus strand). Cytogenetic location: Xq21.1.
Variant type: single nucleotide variant.
Coding change: c.*368G>T on transcript NM_024921.4 (MANE Select); 368 bases downstream of the stop codon, G replaced by T.
Molecular consequence: 3 prime UTR variant.
Genome position (GRCh38, 1-based): chrX:85,279,053, C>A on the plus strand (G>T on the coding strand, the complement: POF1B is on the minus strand). VCF-style: chrX-85279053-C-A. GRCh37 (hg19) VCF-style: chrX-84534059-C-A.
Identifiers: ClinVar variation 368774 (VCV000368774.6), dbSNP rs6617041, ClinGen allele CA10654083.

ClinVar aggregate classification (germline): Benign. Review status: criteria provided, multiple submitters, no conflicts (2 of 4 stars). 2 submissions from 2 submitters: Benign (2). Last evaluated 2017-04-27.

Conditions:
Premature ovarian failure 2B. Identifiers: MedGen C1845105, MONDO:0010373, OMIM 300604.

Allele frequency attached by ClinVar (database versions not stated): gnomAD exomes 0.05024; gnomAD 0.06307 and 0.06555; TOPMed 0.08391; 1000 Genomes Project 30x 0.14256; 1000 Genomes Project 0.14755.
gnomAD v4.1: 8,936 of 144,794 alleles (6.2%); highest among the groups gnomAD compares: East Asian, 35%; 629 homozygotes.

Submissions (2):

Illumina Laboratory Services, Illumina
Classification: Benign for Premature ovarian failure 2B. Last evaluated: 2017-04-27. Review status: criteria provided, single submitter. Criteria: ICSL Variant Classification Criteria 13 December 2019. Collection method: clinical testing. Allele origin: germline.
Comment: This variant was observed as part of a predisposition screen in an ostensibly healthy population. A literature search was performed for the gene, cDNA change, and amino acid change (where applicable). No publications were found based on this search. Allele frequency data from public databases was too high to be consistent with this variant causing disease. Therefore, this variant is classified as benign.

Breakthrough Genomics
Classification: Benign. Review status: criteria provided, single submitter. Criteria: ACMG Guidelines, 2015. Collection method: not provided. Allele origin: germline. Inheritance: X-linked inheritance. Affected: yes.